The following is an entry in ClinVar:

ClinVar aggregate classification (germline): Uncertain significance (1 of 4 stars; one submission).

Submission:

GeneDx
Classification: Uncertain significance. Last evaluated: 2024-09-06. Review status: criteria provided, single submitter. Criteria: GeneDx Variant Classification Process June 2021. Collection method: clinical testing. Allele origin: germline. Affected: yes.
Comment: Not observed at significant frequency in large population cohorts (gnomAD); In silico analysis indicates that this missense variant does not alter protein structure/function; Has not been previously published as pathogenic or benign to our knowledge

NM_007118.4(TRIO):c.6766C>G (p.Pro2256Ala)

Gene: TRIO (trio Rho guanine nucleotide exchange factor; plus strand). Cytogenetic location: 5p15.2.
Variant type: single nucleotide variant.
Coding change: c.6766C>G on transcript NM_007118.4 (MANE Select); coding-DNA position 6766, C replaced by G.
Protein change: p.Pro2256Ala; replaces proline 2256 with alanine.
Molecular consequence: missense variant. On other transcripts: non-coding transcript variant (1).
Genome position (GRCh38, 1-based): chr5:14,485,177, C>G. VCF-style: chr5-14485177-C-G. GRCh37 (hg19) VCF-style: chr5-14485286-C-G.
Other names: short protein forms P2256A.
Identifiers: ClinVar variation 3767503 (VCV003767503.1).